The following is an entry in ClinVar:

ClinVar aggregate classification (germline): Uncertain significance (1 of 4 stars; one submission).

Submission:

CeGaT Center for Human Genetics Tuebingen
Classification: Uncertain significance. Last evaluated: 2025-05-01. Review status: criteria provided, single submitter. Criteria: CeGaT Center For Human Genetics Tuebingen Variant Classification Criteria Version 2. Collection method: clinical testing. Allele origin: germline. Affected: yes. Observed: 1 variant allele.
Comment: ZMYND11: PM2, PP2, PP3

NM_001370100.5(ZMYND11):c.841C>G (p.His281Asp)

Gene: ZMYND11 (zinc finger MYND-type containing 11; plus strand). Cytogenetic location: 10p15.3.
Variant type: single nucleotide variant.
Coding change: c.841C>G on transcript NM_001370100.5 (MANE Select); coding-DNA position 841, C replaced by G.
Protein change: p.His281Asp; replaces histidine 281 with aspartic acid.
Molecular consequence: missense variant. On other transcripts: non-coding transcript variant (1).
Genome position (GRCh38, 1-based): chr10:242,030, C>G. VCF-style: chr10-242030-C-G. GRCh37 (hg19) VCF-style: chr10-287970-C-G.
Other names: c.679C>G, p.His227Asp (NM_001202464.3, NM_001202467.1, NM_001370103.2 and 6 more transcripts); c.586C>G, p.His196Asp (NM_001202465.3, NM_001370110.2); c.676C>G, p.His226Asp (NM_001202466.3, NM_001370111.2); c.841C>G, p.His281Asp (NM_001202468.1, NM_001370097.3, NM_001370098.2 and 5 more transcripts); c.790C>G, p.His264Asp (NM_001330057.3, NM_001370112.2); c.748C>G, p.His250Asp (NM_001370113.2, NM_001370114.2); c.838C>G, p.His280Asp (NM_001370115.2, NM_212479.4); c.775C>G, p.His259Asp (NM_001370116.2); and 7 more; short protein forms H124D, H162D, H179D, H187D, H196D, H205D, H226D, H227D.
Identifiers: ClinVar variation 3905976 (VCV003905976.10).